The following is an entry in ClinVar:

ClinVar aggregate classification (germline): Uncertain significance (1 of 4 stars; one submission).

Allele frequency attached by ClinVar (database versions not stated): ExAC 0.00001.
gnomAD v4.1: 1 of 1,614,066 alleles (0.000062%); highest among the groups gnomAD compares: Admixed American, 0.0017%; no homozygotes.

Submission:

Labcorp Genetics (formerly Invitae), Labcorp
Classification: Uncertain significance. Last evaluated: 2022-12-08. Review status: criteria provided, single submitter. Criteria: Invitae Variant Classification Sherloc (09022015). Collection method: clinical testing. Allele origin: germline.
Comment: This sequence change replaces serine, which is neutral and polar, with cysteine, which is neutral and slightly polar, at codon 18 of the SLC10A2 protein (p.Ser18Cys). This variant is present in population databases (rs770829839, gnomAD 0.003%). In summary, the available evidence is currently insufficient to determine the role of this variant in disease. Therefore, it has been classified as a Variant of Uncertain Significance. Algorithms developed to predict the effect of missense changes on protein structure and function are either unavailable or do not agree on the potential impact of this missense change (SIFT: "Deleterious"; PolyPhen-2: "Probably Damaging"; Align-GVGD: "Class C15"). This variant has not been reported in the literature in individuals affected with SLC10A2-related conditions.

NM_000452.3(SLC10A2):c.53C>G (p.Ser18Cys)

Gene: SLC10A2 (solute carrier family 10 member 2; minus strand). Cytogenetic location: 13q33.1.
Variant type: single nucleotide variant.
Coding change: c.53C>G on transcript NM_000452.3 (MANE Select); coding-DNA position 53, C replaced by G.
Protein change: p.Ser18Cys; replaces serine 18 with cysteine.
Molecular consequence: missense variant.
Genome position (GRCh38, 1-based): chr13:103,066,197, G>C on the plus strand (C>G on the coding strand, the complement: SLC10A2 is on the minus strand). VCF-style: chr13-103066197-G-C. GRCh37 (hg19) VCF-style: chr13-103718547-G-C.
Other names: short protein forms S18C.
Identifiers: ClinVar variation 2777121 (VCV002777121.3), dbSNP rs770829839, ClinGen allele CA7042359.